The following is an entry in ClinVar:

ClinVar aggregate classification (germline): Uncertain significance (1 of 4 stars; one submission).

Allele frequency attached by ClinVar (database versions not stated): gnomAD 0.00003; TOPMed 0.00004.

Submission:

Labcorp Genetics (formerly Invitae), Labcorp
Classification: Uncertain significance. Last evaluated: 2023-08-04. Review status: criteria provided, single submitter. Criteria: Invitae Variant Classification Sherloc (09022015). Collection method: clinical testing. Allele origin: germline.
Comment: This variant has not been reported in the literature in individuals affected with ADGRB2-related conditions. In summary, the available evidence is currently insufficient to determine the role of this variant in disease. Therefore, it has been classified as a Variant of Uncertain Significance. An algorithm developed to predict the effect of missense changes on protein structure and function (PolyPhen-2) suggests that this variant is likely to be disruptive. This variant is present in population databases (no rsID available, gnomAD 0.01%). This sequence change replaces valine, which is neutral and non-polar, with methionine, which is neutral and non-polar, at codon 158 of the ADGRB2 protein (p.Val158Met).

NM_001364857.2(ADGRB2):c.472G>A (p.Val158Met)

Gene: ADGRB2 (adhesion G protein-coupled receptor B2; minus strand). Cytogenetic location: 1p35.2.
Variant type: single nucleotide variant.
Coding change: c.472G>A on transcript NM_001364857.2 (MANE Select); coding-DNA position 472, G replaced by A.
Protein change: p.Val158Met; replaces valine 158 with methionine.
Molecular consequence: missense variant.
Genome position (GRCh38, 1-based): chr1:31,756,365, C>T on the plus strand (G>A on the coding strand, the complement: ADGRB2 is on the minus strand). VCF-style: chr1-31756365-C-T. GRCh37 (hg19) VCF-style: chr1-32221966-C-T.
Other names: c.472G>A, p.Val158Met (NM_001294335.2, NM_001294336.2, NM_001703.2); short protein forms V158M.
Identifiers: ClinVar variation 2920184 (VCV002920184.3), dbSNP rs984174544, ClinGen allele CA20186392.